The following is an entry in ClinVar:

NM_001291088.2(WDR87):c.7382T>G (p.Val2461Gly)

Gene: WDR87 (WD repeat domain 87; minus strand). Cytogenetic location: 19q13.13.
Variant type: single nucleotide variant.
Coding change: c.7382T>G on transcript NM_001291088.2 (MANE Select); coding-DNA position 7382, T replaced by G.
Protein change: p.Val2461Gly; replaces valine 2461 with glycine.
Molecular consequence: missense variant.
Genome position (GRCh38, 1-based): chr19:37,886,289, A>C on the plus strand (T>G on the coding strand, the complement: WDR87 is on the minus strand). VCF-style: chr19-37886289-A-C. GRCh37 (hg19) VCF-style: chr19-38376929-A-C.
Other names: c.7265T>G, p.Val2422Gly (NM_031951.5); short protein forms V2461G, V2422G.
Identifiers: ClinVar variation 4734660 (VCV004734660.1).

ClinVar aggregate classification (germline): Uncertain significance (1 of 4 stars; one submission).

Submission:

Labcorp Genetics (formerly Invitae), Labcorp
Classification: Uncertain significance. Last evaluated: 2026-01-13. Review status: criteria provided, single submitter. Criteria: Invitae Variant Classification Sherloc (09022015). Collection method: clinical testing. Allele origin: germline.
Comment: This sequence change replaces valine, which is neutral and non-polar, with glycine, which is neutral and non-polar, at codon 2422 of the WDR87 protein (p.Val2422Gly). This variant is not present in population databases (gnomAD no frequency). This variant has not been reported in the literature in individuals affected with WDR87-related conditions. Experimental studies and prediction algorithms are not available or were not evaluated, and the functional significance of this variant is currently unknown. In summary, the available evidence is currently insufficient to determine the role of this variant in disease. Therefore, it has been classified as a Variant of Uncertain Significance.